The following is an entry in ClinVar:

ClinVar aggregate classification (germline): Likely pathogenic (1 of 4 stars; one submission).

Allele frequency attached by ClinVar (database versions not stated): gnomAD exomes 0.00001; gnomAD 0.00003; TOPMed 0.00003.
gnomAD v4.1: 21 of 1,613,420 alleles (0.0013%); highest among the groups gnomAD compares: Non-Finnish European, 0.0016%; no homozygotes.

Submission:

Labcorp Genetics (formerly Invitae), Labcorp
Classification: Likely pathogenic. Last evaluated: 2020-10-03. Review status: criteria provided, single submitter. Criteria: Invitae Variant Classification Sherloc (09022015). Collection method: clinical testing. Allele origin: germline.
Comment: This sequence change affects a donor splice site in intron 29 of the ADCY10 gene. It is expected to disrupt RNA splicing and likely results in an absent or disrupted protein product. This variant is not present in population databases (ExAC no frequency). This variant has not been reported in the literature in individuals with ADCY10-related conditions. Algorithms developed to predict the effect of sequence changes on RNA splicing suggest that this variant may disrupt the consensus splice site, but this prediction has not been confirmed by published transcriptional studies. Donor and acceptor splice site variants typically lead to a loss of protein function (PMID: 16199547), and loss-of-function variants in ADCY10 are known to be pathogenic (PMID: 31119281). In summary, the currently available evidence indicates that the variant is pathogenic, but additional data are needed to prove that conclusively. Therefore, this variant has been classified as Likely Pathogenic.

Literature cited by the submitters: PubMed 16199547; PubMed 31119281.

NM_018417.6(ADCY10):c.4168+1G>A

Gene: ADCY10 (adenylate cyclase 10; minus strand). Cytogenetic location: 1q24.2.
Variant type: single nucleotide variant.
Coding change: c.4168+1G>A on transcript NM_018417.6 (MANE Select); the canonical splice donor site of the intron after coding-DNA position 4168, G replaced by A.
Molecular consequence: splice donor variant.
Genome position (GRCh38, 1-based): chr1:167,823,007, C>T on the plus strand (G>A on the coding strand, the complement: ADCY10 is on the minus strand). VCF-style: chr1-167823007-C-T. GRCh37 (hg19) VCF-style: chr1-167792245-C-T.
Other names: c.3709+1G>A (NM_001167749.3); c.3892+1G>A (NM_001297772.2).
Identifiers: ClinVar variation 1066395 (VCV001066395.5), dbSNP rs996858935, ClinGen allele CA31424339.